The following is an entry in ClinVar:

NM_005068.3(SIM1):c.668C>G (p.Thr223Arg)

Gene: SIM1 (SIM bHLH transcription factor 1; minus strand). Cytogenetic location: 6q16.3.
Variant type: single nucleotide variant.
Coding change: c.668C>G on transcript NM_005068.3 (MANE Select); coding-DNA position 668, C replaced by G.
Protein change: p.Thr223Arg; replaces threonine 223 with arginine.
Molecular consequence: missense variant.
Genome position (GRCh38, 1-based): chr6:100,448,554, G>C on the plus strand (C>G on the coding strand, the complement: SIM1 is on the minus strand). VCF-style: chr6-100448554-G-C. GRCh37 (hg19) VCF-style: chr6-100896430-G-C.
Other names: c.668C>G, p.Thr223Arg (NM_001374769.1); short protein forms T223R.
Identifiers: ClinVar variation 4996925 (VCV004996925.1).
Genomic context (GRCh38, chr6:100,448,554, plus strand): 5'-ATGAGCTTCATGTCCAGGCTGGCGCGGAACATAAACATATTGCTGTGTAGCTTGATCTCC[G>C]TGACGGCGCTGGGAGGCAGCGAGTGGCCCACGGCCACCAGGCCCACGTTTTGGTAGCAGC-3'
Protein context (NP_005059.2, residues 213-233): VGHSLPPSAV[Thr223Arg]EIKLHSNMFM

ClinVar aggregate classification (germline): Uncertain significance (1 of 4 stars; one submission).

Conditions:
SIM1-related disorder. Also called: SIM1-related disorders; SIM1-related condition.

Submission:

PreventionGenetics, part of Exact Sciences
Classification: Uncertain significance for SIM1-related condition. Last evaluated: 2025-03-19. Review status: criteria provided, single submitter. Criteria: ACMG Guidelines, 2015. Collection method: clinical testing. Allele origin: germline.
Comment: The SIM1 c.668C>G variant is predicted to result in the amino acid substitution p.Thr223Arg. To our knowledge, this variant has not been reported in the literature or in a large population database (gnomAD), indicating this variant is rare. At this time, the clinical significance of this variant is uncertain due to the absence of conclusive functional and genetic evidence.